The following is an entry in ClinVar:

ClinVar aggregate classification (germline): Uncertain significance (1 of 4 stars; one submission).

Conditions:
Wilson disease (WND). Also called: Wilson's disease. Identifiers: Orphanet 905, MedGen C0019202, MONDO:0010200, OMIM 277900. Disease mechanism: loss of function.

Allele frequency attached by ClinVar (database versions not stated): gnomAD 0.00002; TOPMed 0.00002; ESP Exome Variant Server 0.00008.
gnomAD v4.1: 4 of 1,613,996 alleles (0.00025%); highest among the groups gnomAD compares: African/African-American, 0.004%; no homozygotes.

Submission:

All of Us Research Program, National Institutes of Health
Classification: Uncertain significance for Wilson disease. Last evaluated: 2023-04-03. Review status: criteria provided, single submitter. Criteria: ACMG Guidelines, 2015. Collection method: clinical testing. Allele origin: germline. Inheritance: Autosomal recessive inheritance. Observed: 1 variant allele, 1 heterozygote.
Comment: This missense variant replaces proline with histidine at codon 1414 of the ATP7B protein. Computational prediction suggests that this variant may not impact protein structure and function (internally defined REVEL score threshold <= 0.5, PMID: 27666373). To our knowledge, functional studies have not been reported for this variant. This variant has not been reported in individuals affected with Wilson disease in the literature. This variant has been identified in 1/248424 chromosomes in the general population by the Genome Aggregation Database (gnomAD). The available evidence is insufficient to determine the role of this variant in disease conclusively. Therefore, this variant is classified as a Variant of Uncertain Significance.

This study involves interpretation of variants in research participants for the purpose of population health screening. Participant phenotype was not available at the time of variant classification. Additional details can be found in publication PMID: 35346344, PMCID: PMC8962531

NM_000053.4(ATP7B):c.4241C>A (p.Pro1414His)

Gene: ATP7B (ATPase copper transporting beta; minus strand). Cytogenetic location: 13q14.3.
Variant type: single nucleotide variant.
Coding change: c.4241C>A on transcript NM_000053.4 (MANE Select); coding-DNA position 4241, C replaced by A.
Protein change: p.Pro1414His; replaces proline 1414 with histidine.
Molecular consequence: missense variant.
Genome position (GRCh38, 1-based): chr13:51,934,913, G>T on the plus strand (C>A on the coding strand, the complement: ATP7B is on the minus strand). VCF-style: chr13-51934913-G-T. GRCh37 (hg19) VCF-style: chr13-52509049-G-T.
Other names: c.3989C>A, p.Pro1330His (NM_001330579.2, NM_001406531.1, NM_001406532.1); c.4241C>A, p.Pro1414His (NM_001406511.1, NM_001406512.1); c.4235C>A, p.Pro1412His (NM_001406513.1); c.4208C>A, p.Pro1403His (NM_001406514.1); c.4187C>A, p.Pro1396His (NM_001406515.1, NM_001406516.1); c.4145C>A, p.Pro1382His (NM_001406517.1, NM_001406518.1); c.4106C>A, p.Pro1369His (NM_001406519.1); c.4097C>A, p.Pro1366His (NM_001406520.1, NM_001406521.1, NM_001406522.1); and 21 more; short protein forms P1133H, P1187H, P1198H, P1207H, P1220H, P1250H, P1252H, P1265H.
Identifiers: ClinVar variation 3075571 (VCV003075571.1), dbSNP rs374693153, ClinGen allele CA250071623.
Genomic context (GRCh38, chr13:51,934,913, plus strand): 5'-GTCAGGGAGGACAGCGACACCTGGCTGACATAGCTGACCTGGTCCCATGGTGTGGCCCTG[G>T]GGGAGTCCCGCCACCTGTCATCCATGCCTATGTGCACACTGACCTGGGATGCCGTCAGGG-3'
Protein context (NP_000044.2, residues 1404-1424): IGMDDRWRDS[Pro1414His]RATPWDQVSY